The following is an entry in ClinVar:

ClinVar aggregate classification (germline): Uncertain significance (1 of 4 stars; one submission).

Conditions:
Granulomatous disease, chronic, X-linked. Also called: GRANULOMATOUS DISEASE, CHRONIC, X-LINKED, SOMATIC MOSAIC; CYTOCHROME b-NEGATIVE GRANULOMATOUS DISEASE, CHRONIC, X-LINKED. Identifiers: Orphanet 379, MedGen C1844376, MONDO:0010600, OMIM 306400.

Allele frequency attached by ClinVar (database versions not stated): gnomAD exomes below 0.00001.
gnomAD v4.1: 1 of 1,210,865 alleles (0.000083%); highest among the groups gnomAD compares: Non-Finnish European, 0.00011%; no homozygotes.

Submission:

Labcorp Genetics (formerly Invitae), Labcorp
Classification: Uncertain significance for Granulomatous disease, chronic, X-linked. Last evaluated: 2021-09-01. Review status: criteria provided, single submitter. Criteria: Invitae Variant Classification Sherloc (09022015). Collection method: clinical testing. Allele origin: germline.
Comment: This sequence change replaces methionine with threonine at codon 319 of the CYBB protein (p.Met319Thr). The methionine residue is highly conserved and there is a moderate physicochemical difference between methionine and threonine. This variant is not present in population databases (ExAC no frequency). This variant has not been reported in the literature in individuals affected with CYBB-related conditions. Advanced modeling of protein sequence and biophysical properties (such as structural, functional, and spatial information, amino acid conservation, physicochemical variation, residue mobility, and thermodynamic stability) performed at Invitae indicates that this missense variant is expected to disrupt CYBB protein function. In summary, the available evidence is currently insufficient to determine the role of this variant in disease. Therefore, it has been classified as a Variant of Uncertain Significance.

NM_000397.4(CYBB):c.956T>C (p.Met319Thr)

Gene: CYBB (cytochrome b-245 beta chain; plus strand). Cytogenetic location: Xp11.4.
Variant type: single nucleotide variant.
Coding change: c.956T>C on transcript NM_000397.4 (MANE Select); coding-DNA position 956, T replaced by C.
Protein change: p.Met319Thr; replaces methionine 319 with threonine.
Molecular consequence: missense variant.
Genome position (GRCh38, 1-based): chrX:37,803,935, T>C. VCF-style: chrX-37803935-T-C. GRCh37 (hg19) VCF-style: chrX-37663188-T-C.
Other names: short protein forms M319T.
Identifiers: ClinVar variation 1946793 (VCV001946793.2), dbSNP rs2519208579, ClinGen allele CA412977141.